The following is an entry in ClinVar:

ClinVar aggregate classification (germline): Likely benign (0 of 4 stars; one submission).

Conditions:
PLXNA3-related disorder. Also called: PLXNA3-related condition.

gnomAD v4.1: 204 of 1,203,264 alleles (0.017%); highest among the groups gnomAD compares: African/African-American, 0.29%; no homozygotes.

Submission:

PreventionGenetics, part of Exact Sciences
Classification: Likely benign for PLXNA3-related condition. Last evaluated: 2021-07-01. Review status: no assertion criteria provided. Collection method: clinical testing. Allele origin: germline.
Comment: This variant is classified as likely benign based on ACMG/AMP sequence variant interpretation guidelines (Richards et al. 2015 PMID: 25741868, with internal and published modifications).

NM_017514.5(PLXNA3):c.1509C>T (p.Ser503=)

Gene: PLXNA3 (plexin A3; plus strand). Cytogenetic location: Xq28.
Variant type: single nucleotide variant.
Coding change: c.1509C>T on transcript NM_017514.5 (MANE Select); coding-DNA position 1509, C replaced by T.
Protein change: p.Ser503=; no amino-acid change (serine 503 retained).
Molecular consequence: synonymous variant.
Genome position (GRCh38, 1-based): chrX:154,463,652, C>T. VCF-style: chrX-154463652-C-T. GRCh37 (hg19) VCF-style: chrX-153691995-C-T.
Identifiers: ClinVar variation 3350418 (VCV003350418.1).